The following is an entry in ClinVar:

ClinVar aggregate classification (germline): Conflicting classifications of pathogenicity. Review status: criteria provided, conflicting classifications (1 of 4 stars). 7 submissions from 7 submitters: Uncertain significance (1); Benign (1); Likely benign (4). 1 of the submissions does not count toward it. Last evaluated 2026-01-24.

Conditions:
Familial thoracic aortic aneurysm and aortic dissection (TAAD). Also called: Thoracic aortic aneurysms and dissections. Identifiers: Orphanet 91387, MedGen C4707243, MONDO:0019625.
Marfan syndrome (MFS). Also called: FBN1-Related Marfan Syndrome; Marfan syndrome type 1; Marfan's syndrome; Marfan syndrome, classic; MARFAN SYNDROME, TYPE I. Identifiers: Orphanet 284963, Orphanet 558, MedGen C0024796, MONDO:0007947, OMIM 154700.
FBN1-related disorder. Also called: FBN1-related disorders.

Allele frequency attached by ClinVar (database versions not stated): ExAC 0.00016; gnomAD exomes 0.00020 and 0.00029; gnomAD 0.00025 and 0.00026; ESP Exome Variant Server 0.00032; TOPMed 0.00048; 1000 Genomes Project 30x 0.00016.

Submissions (7):

Labcorp Genetics (formerly Invitae), Labcorp
Classification: Likely benign for Marfan syndrome; Familial thoracic aortic aneurysm and aortic dissection. Last evaluated: 2026-01-24. Review status: criteria provided, single submitter. Criteria: Invitae Variant Classification Sherloc (09022015). Collection method: clinical testing. Allele origin: germline.

Blueprint Genetics
Classification: Likely benign. Last evaluated: 2024-10-17. Review status: criteria provided, single submitter. Criteria: ACMG Guidelines, 2015. Collection method: clinical testing. Allele origin: germline.

All of Us Research Program, National Institutes of Health
Classification: Likely benign for Marfan syndrome. Last evaluated: 2024-02-05. Review status: criteria provided, single submitter. Criteria: ACMG Guidelines, 2015. Collection method: clinical testing. Allele origin: germline. Inheritance: Autosomal dominant inheritance. Observed: 61 variant alleles, 61 heterozygotes.
Comment: This study involves interpretation of variants in research participants for the purpose of population health screening. Participant phenotype was not available at the time of variant classification. Additional details can be found in publication PMID: 35346344, PMCID: PMC8962531

Color Diagnostics, LLC DBA Color Health
Classification: Likely benign for Familial thoracic aortic aneurysm and aortic dissection. Last evaluated: 2018-06-11. Review status: criteria provided, single submitter. Criteria: ACMG Guidelines, 2015. Collection method: clinical testing. Allele origin: germline.

GeneDx
Classification: Benign for Thoracic aortic aneurysms and aortic dissections. Last evaluated: 2014-05-14. Review status: criteria provided, single submitter. Criteria: GeneDx Variant Classification (06012015). Collection method: clinical testing. Allele origin: germline. Affected: yes.
Comment: The variant is found in TAAD panel(s).

Women's Health and Genetics/Laboratory Corporation of America, LabCorp
Classification: Uncertain significance for Marfan Syndrome. Last evaluated: 2011-08-18. Review status: criteria provided, single submitter. Criteria: LabCorp Variant Classification Summary - May 2015. Collection method: curation, clinical testing. Allele origin: germline. Inheritance: autosomal dominant. Affected: yes. Observed: 1 variant allele.
ClinVar note: Converted during submission from uncertain to Uncertain significance.

PreventionGenetics, part of Exact Sciences
Classification: Likely benign for FBN1-related condition. Last evaluated: 2021-11-02. Review status: no assertion criteria provided. Collection method: clinical testing. Allele origin: germline. Not counted in ClinVar's aggregate classification.
Comment: This variant is classified as likely benign based on ACMG/AMP sequence variant interpretation guidelines (Richards et al. 2015 PMID: 25741868, with internal and published modifications).

Literature cited by the submitters: PubMed 17657824 (cited by Women's Health and Genetics/Laboratory Corporation of America, LabCorp).

NM_000138.5(FBN1):c.539-15del

Gene: FBN1 (fibrillin 1; minus strand). Cytogenetic location: 15q21.1.
Variant type: Deletion.
Coding change: c.539-15del on transcript NM_000138.5 (MANE Select); 15 bases into the intron before coding-DNA position 539, one base deleted (A; older notation c.539-15delA).
Molecular consequence: intron variant.
Genome position (GRCh38, 1-based): chr15:48,537,823, T deleted on the plus strand (A on the coding strand, the reverse complement: FBN1 is on the minus strand). VCF-style (leftmost placement, unchanged base first): chr15-48537822-AT-A. GRCh37 (hg19) VCF-style: chr15-48830019-AT-A.
Other names: c.539-15delA (NM_000138.4).
Identifiers: ClinVar variation 36087 (VCV000036087.16), dbSNP rs193922211, ClinGen allele CA015782.